The following is an entry in ClinVar:

ClinVar aggregate classification (germline): Conflicting classifications of pathogenicity. Review status: criteria provided, conflicting classifications (1 of 4 stars). 4 submissions from 4 submitters: Uncertain significance (2); Benign (1); Likely benign (1). Last evaluated 2024-02-01.

Conditions:
Ehlers-Danlos syndrome, classic type, 1 (EDSCL1). Also called: EHLERS-DANLOS SYNDROME, GRAVIS TYPE; EHLERS-DANLOS SYNDROME, SEVERE CLASSIC TYPE; Ehlers-Danlos Syndrome, Classic Type, COL5A1-Related; EDS I; Ehlers-Danlos syndrome, type 1. Identifiers: MedGen C0268335, MONDO:0019567, OMIM 130000.
Fibromuscular dysplasia, multifocal. Identifiers: MedGen C5543412, MONDO:0859151, OMIM 619329.
Ehlers-Danlos syndrome, classic type (cEDS). Identifiers: Orphanet 287, MedGen C4225429, MONDO:0007522.

Allele frequency attached by ClinVar (database versions not stated): gnomAD 0.00001; ExAC 0.00002; 1000 Genomes Project 30x 0.00031; TOPMed 0.00002; 1000 Genomes Project 0.00040; gnomAD exomes 0.00001 and 0.00003.
gnomAD v4.1: 10 of 1,614,132 alleles (0.00062%); highest among the groups gnomAD compares: East Asian, 0.022%; no homozygotes.

Submissions (4):

Fulgent Genetics
Classification: Uncertain significance for Ehlers-Danlos syndrome, classic type, 1; Fibromuscular dysplasia, multifocal. Last evaluated: 2024-02-01. Review status: criteria provided, single submitter. Criteria: ACMG Guidelines, 2015. Collection method: clinical testing. Allele origin: germline.

Labcorp Genetics (formerly Invitae), Labcorp
Classification: Benign for Ehlers-Danlos syndrome, classic type, 1. Last evaluated: 2023-09-13. Review status: criteria provided, single submitter. Criteria: Invitae Variant Classification Sherloc (09022015). Collection method: clinical testing. Allele origin: germline.

GeneDx
Classification: Uncertain significance. Last evaluated: 2019-09-19. Review status: criteria provided, single submitter. Criteria: GeneDx Variant Classification Process June 2021. Collection method: clinical testing. Allele origin: germline. Affected: yes.
Comment: Has not been previously published as pathogenic or benign to our knowledge; Observed in 0.0435% (8/18384) of alleles from individuals of East Asian background in large population cohorts (Lek et al., 2016); In silico analysis, which includes protein predictors and evolutionary conservation, supports that this variant does not alter protein structure/function; Not located in the triple helical region, where the majority of pathogenic missense variants occur (Symoens et al., 2012; Stenson et al., 2014)

Illumina Laboratory Services, Illumina
Classification: Likely benign for Ehlers-Danlos syndrome, classic type, 1. Last evaluated: 2018-01-12. Review status: criteria provided, single submitter. Criteria: ICSL Variant Classification Criteria 13 December 2019. Collection method: clinical testing. Allele origin: germline.
Comment: This variant was observed in the ICSL laboratory as part of a predisposition screen in an ostensibly healthy population. It had not been previously curated by ICSL or reported in the Human Gene Mutation Database (HGMD: prior to June 1st, 2018), and was therefore a candidate for classification through an automated scoring system. Utilizing variant allele frequency, disease prevalence and penetrance estimates, and inheritance mode, an automated score was calculated to assess if this variant is too frequent to cause the disease. Based on the score and internal cut-off values, a variant classified as likely benign is not then subjected to further curation. The score for this variant resulted in a classification of likely benign for this disease.

NM_000093.5(COL5A1):c.1270A>G (p.Thr424Ala)

Gene: COL5A1 (collagen type V alpha 1 chain; plus strand). Cytogenetic location: 9q34.3.
Variant type: single nucleotide variant.
Coding change: c.1270A>G on transcript NM_000093.5 (MANE Select); coding-DNA position 1270, A replaced by G.
Protein change: p.Thr424Ala; replaces threonine 424 with alanine.
Molecular consequence: missense variant.
Genome position (GRCh38, 1-based): chr9:134,731,601, A>G. VCF-style: chr9-134731601-A-G. GRCh37 (hg19) VCF-style: chr9-137623447-A-G.
Other names: c.1270A>G, p.Thr424Ala (NM_001278074.1); c.1270A>G (NM_000093.3); short protein forms T424A.
Identifiers: ClinVar variation 365710 (VCV000365710.12), dbSNP rs535363331, ClinGen allele CA5318694.
Genomic context (GRCh38, chr9:134,731,601, plus strand): 5'-TTCACTGAGGAAACGATCCGGAACCTTGACGAGAACTACTACGACCCCTACTACGACCCC[A>G]CCAGCTCCCCGTCGGAGATCGGGCCGGGAATGCCGGCGAACCAGGATACCATCTATGAAG-3'
Protein context (NP_000084.3, residues 414-434): ENYYDPYYDP[Thr424Ala]SSPSEIGPGM